The following is an entry in ClinVar:

ClinVar aggregate classification (germline): Pathogenic/Likely pathogenic. Review status: criteria provided, multiple submitters, no conflicts (2 of 4 stars). 6 submissions from 6 submitters: Pathogenic (5); Likely pathogenic (1). Last evaluated 2025-01-18.

Conditions:
ATM-related disorder. Also called: ATM-related disorders; ATM-related condition.
Familial cancer of breast. Also called: BREAST CANCER, FAMILIAL; hereditary breast carcinoma; Hereditary breast cancer. Identifiers: Orphanet 227535, MedGen C0346153, MONDO:0016419, OMIM 114480. Disease mechanism: loss of function.
Ataxia-telangiectasia syndrome (AT). Also called: LOUIS-BAR SYNDROME; Ataxia telangiectasia (A-T); ATAXIA-TELANGIECTASIA, COMPLEMENTATION GROUP A; ATAXIA-TELANGIECTASIA, FRESNO VARIANT; Ataxia-telangiectasia; Ataxia-telangiectasia, complementation group D. Identifiers: Orphanet 100, MedGen C0004135, MONDO:0008840, OMIM 208900.
Hereditary cancer-predisposing syndrome. Also called: Neoplastic Syndromes, Hereditary; Tumor predisposition; Hereditary Cancer Syndrome; Hereditary neoplastic syndrome. Identifiers: Orphanet 140162, MedGen C0027672, MeSH D009386, MONDO:0015356.

Submissions (6):

3billion
Classification: Pathogenic for Ataxia-telangiectasia syndrome. Last evaluated: 2025-01-18. Review status: criteria provided, single submitter. Criteria: ACMG Guidelines, 2015. Collection method: clinical testing. Allele origin: germline. Affected: yes.
Comment: The variant is not observed in the gnomAD v4.1.0 dataset. Predicted Consequence/Location: Stop-gained (nonsense): predicted to result in a loss or disruption of normal protein function through nonsense-mediated decay (NMD) or protein truncation. Multiple pathogenic variants are reported downstream of the variant. The variant has been reported at least twice as pathogenic with clinical assertions and evidence for the classification (ClinVar ID: VCV000825252 /PMID: 10980530). Therefore, this variant is classified as Pathogenic according to the recommendation of ACMG/AMP guideline.

Myriad Genetics, Inc.
Classification: Pathogenic for Familial cancer of breast. Last evaluated: 2024-01-09. Review status: criteria provided, single submitter. Criteria: Myriad Autosomal Dominant, Autosomal Recessive and X-Linked Classification Criteria (2023). Collection method: clinical testing. Allele origin: unknown.
Comment: This variant is considered pathogenic. This variant creates a termination codon and is predicted to result in premature protein truncation.

Baylor Genetics
Classification: Pathogenic for Familial cancer of breast. Last evaluated: 2023-07-01. Review status: criteria provided, single submitter. Criteria: ACMG Guidelines, 2015. Collection method: clinical testing. Allele origin: unknown.

Ambry Genetics
Classification: Pathogenic for Hereditary cancer-predisposing syndrome. Last evaluated: 2023-03-20. Review status: criteria provided, single submitter. Criteria: Ambry Variant Classification Scheme 2023. Collection method: clinical testing. Allele origin: germline.
Comment: The p.Q163* pathogenic mutation (also known as c.487C>T), located in coding exon 4 of the ATM gene, results from a C to T substitution at nucleotide position 487. This changes the amino acid from a glutamine to a stop codon within coding exon 4. This alteration is expected to result in loss of function by premature protein truncation or nonsense-mediated mRNA decay. As such, this alteration is interpreted as a disease-causing mutation.

Blueprint Genetics
Classification: Likely pathogenic for ATM-related disorders. Last evaluated: 2021-05-05. Review status: criteria provided, single submitter. Criteria: ACMG Guidelines, 2015. Collection method: clinical testing. Allele origin: germline. Affected: yes. Observed: 1 variant allele.

Labcorp Genetics (formerly Invitae), Labcorp
Classification: Pathogenic for Ataxia-telangiectasia syndrome. Last evaluated: 2021-03-01. Review status: criteria provided, single submitter. Criteria: Invitae Variant Classification Sherloc (09022015). Collection method: clinical testing. Allele origin: germline.
Comment: For these reasons, this variant has been classified as Pathogenic. This variant has been observed in an individual affected with ataxia-telangiectasia (PMID: 10980530). ClinVar contains an entry for this variant (Variation ID: 825252). This variant is not present in population databases (ExAC no frequency). This sequence change creates a premature translational stop signal (p.Gln163*) in the ATM gene. It is expected to result in an absent or disrupted protein product. Loss-of-function variants in ATM are known to be pathogenic (PMID: 23807571, 25614872).

Literature cited by the submitters: PubMed 10980530 (cited by 3billion and Labcorp Genetics (formerly Invitae), Labcorp); PubMed 23807571 (cited by Labcorp Genetics (formerly Invitae), Labcorp); PubMed 25614872 (cited by Labcorp Genetics (formerly Invitae), Labcorp).

NM_000051.4(ATM):c.487C>T (p.Gln163Ter)

Gene: ATM (ATM serine/threonine kinase; plus strand). Cytogenetic location: 11q22.3.
Variant type: single nucleotide variant.
Coding change: c.487C>T on transcript NM_000051.4 (MANE Select); coding-DNA position 487, C replaced by T.
Protein change: p.Gln163Ter; replaces glutamine 163 with a stop codon.
Molecular consequence: nonsense.
Genome position (GRCh38, 1-based): chr11:108,235,825, C>T. VCF-style: chr11-108235825-C-T. GRCh37 (hg19) VCF-style: chr11-108106552-C-T.
Other names: c.487C>T, p.Gln163Ter (NM_001351834.2); short protein forms Q163*.
Identifiers: ClinVar variation 825252 (VCV000825252.17), dbSNP rs1591475608, ClinGen allele CA382525693.
Genomic context (GRCh38, chr11:108,235,825, plus strand): 5'-AACATACTACTCAAAGACATTCTTTCTGTGAGAAAATACTGGTGTGAAATATCTCAGCAA[C>T]AGTGGTTAGGTATGTTTTGAAGGTTGTTGTTTGTGAATTTTTCCTCATGAAATGAAACTT-3'